The following is an entry in ClinVar:

NM_000191.3(HMGCL):c.145-8C>T

Gene: HMGCL (3-hydroxy-3-methylglutaryl-CoA lyase; minus strand). Cytogenetic location: 1p36.11.
Variant type: single nucleotide variant.
Coding change: c.145-8C>T on transcript NM_000191.3 (MANE Select); 8 bases into the intron before coding-DNA position 145, C replaced by T.
Molecular consequence: intron variant.
Genome position (GRCh38, 1-based): chr1:23,817,591, G>A on the plus strand (C>T on the coding strand, the complement: HMGCL is on the minus strand). VCF-style: chr1-23817591-G-A. GRCh37 (hg19) VCF-style: chr1-24144081-G-A.
Other names: c.145-8C>T (NM_001166059.2).
Identifiers: ClinVar variation 392129 (VCV000392129.15), dbSNP rs369286537, ClinGen allele CA686177.

ClinVar aggregate classification (germline): Likely benign. Review status: criteria provided, multiple submitters, no conflicts (2 of 4 stars). 4 submissions from 4 submitters: Likely benign (3). 1 of the submissions does not count toward it. Last evaluated 2026-02-01.

Conditions:
Deficiency of hydroxymethylglutaryl-CoA lyase (HMGCLD). Also called: HMGCL DEFICIENCY; HYDROXYMETHYLGLUTARIC ACIDURIA; Defect in leucine metabolism; 3-hydroxy-3-methylglutaric aciduria; HMG-CoA LYASE DEFICIENCY. Identifiers: Orphanet 20, MedGen C1533587, MONDO:0009520, OMIM 246450.
HMGCL-related disorder. Also called: HMGCL-related condition.

Allele frequency attached by ClinVar (database versions not stated): TOPMed 0.00011; ExAC 0.00012; gnomAD 0.00014 and 0.00016; gnomAD exomes 0.00015 and 0.00020; ESP Exome Variant Server 0.00023.

Submissions (4):

Labcorp Genetics (formerly Invitae), Labcorp
Classification: Likely benign for Deficiency of hydroxymethylglutaryl-CoA lyase. Last evaluated: 2026-02-01. Review status: criteria provided, single submitter. Criteria: Invitae Variant Classification Sherloc (09022015). Collection method: clinical testing. Allele origin: germline.

Genome-Nilou Lab
Classification: Likely benign for Deficiency of hydroxymethylglutaryl-CoA lyase. Last evaluated: 2023-04-11. Review status: criteria provided, single submitter. Criteria: ACMG Guidelines, 2015. Collection method: clinical testing. Allele origin: germline. Affected: no.

GeneDx
Classification: Likely benign. Last evaluated: 2018-12-04. Review status: criteria provided, single submitter. Criteria: GeneDx Variant Classification Process June 2021. Collection method: clinical testing. Allele origin: germline. Affected: yes.

PreventionGenetics, part of Exact Sciences
Classification: Likely benign for HMGCL-related condition. Last evaluated: 2019-09-09. Review status: no assertion criteria provided. Collection method: clinical testing. Allele origin: germline. Not counted in ClinVar's aggregate classification.
Comment: This variant is classified as likely benign based on ACMG/AMP sequence variant interpretation guidelines (Richards et al. 2015 PMID: 25741868, with internal and published modifications).